The following is an entry in ClinVar:

ClinVar aggregate classification (germline): Uncertain significance. Review status: criteria provided, multiple submitters, no conflicts (2 of 4 stars). 2 submissions from 2 submitters: Uncertain significance (2). Last evaluated 2023-03-13.

Conditions:
Hereditary cancer-predisposing syndrome. Also called: Neoplastic Syndromes, Hereditary; Tumor predisposition; Hereditary Cancer Syndrome; Hereditary neoplastic syndrome. Identifiers: Orphanet 140162, MedGen C0027672, MeSH D009386, MONDO:0015356.

Allele frequency attached by ClinVar (database versions not stated): gnomAD exomes 0.00001.
gnomAD v4.1: 13 of 1,614,164 alleles (0.00081%); highest among the groups gnomAD compares: Non-Finnish European, 0.0011%; no homozygotes.

Submissions (2):

Labcorp Genetics (formerly Invitae), Labcorp
Classification: Uncertain significance for Hereditary cancer-predisposing syndrome. Last evaluated: 2023-03-13. Review status: criteria provided, single submitter. Criteria: Invitae Variant Classification Sherloc (09022015). Collection method: clinical testing. Allele origin: germline.
Comment: In summary, the available evidence is currently insufficient to determine the role of this variant in disease. Therefore, it has been classified as a Variant of Uncertain Significance. Algorithms developed to predict the effect of sequence changes on RNA splicing suggest that this variant may disrupt the consensus splice site. An algorithm developed to predict the effect of missense changes on protein structure and function (PolyPhen-2) suggests that this variant is likely to be disruptive. ClinVar contains an entry for this variant (Variation ID: 1733274). This variant has not been reported in the literature in individuals affected with RAD50-related conditions. This variant is not present in population databases (gnomAD no frequency). This sequence change replaces lysine, which is basic and polar, with arginine, which is basic and polar, at codon 1206 of the RAD50 protein (p.Lys1206Arg).

Ambry Genetics
Classification: Uncertain significance for Hereditary cancer-predisposing syndrome. Last evaluated: 2022-05-31. Review status: criteria provided, single submitter. Criteria: Ambry Variant Classification Scheme 2023. Collection method: clinical testing. Allele origin: germline.
Comment: The p.K1206R variant (also known as c.3617A>G), located in coding exon 23 of the RAD50 gene, results from an A to G substitution at nucleotide position 3617. The lysine at codon 1206 is replaced by arginine, an amino acid with highly similar properties. This amino acid position is highly conserved in available vertebrate species. In addition, this alteration is predicted to be deleterious by in silico analysis. Since supporting evidence is limited at this time, the clinical significance of this alteration remains unclear.

NM_005732.4(RAD50):c.3617A>G (p.Lys1206Arg)

Genes: RAD50 (RAD50 double strand break repair protein; plus strand), TH2-LCR (Th2 cytokine locus control region; plus strand), TH2LCRR (T helper type 2 locus control region associated RNA; minus strand). Cytogenetic location: 5q31.1.
Variant type: single nucleotide variant.
Coding change: c.3617A>G on transcript NM_005732.4 (MANE Select); coding-DNA position 3617, A replaced by G.
Protein change: p.Lys1206Arg; replaces lysine 1206 with arginine.
Molecular consequence: missense variant. On other transcripts: non-coding transcript variant (3).
Genome position (GRCh38, 1-based): chr5:132,638,222, A>G. VCF-style: chr5-132638222-A-G. GRCh37 (hg19) VCF-style: chr5-131973914-A-G.
Other names: short protein forms K1206R.
Identifiers: ClinVar variation 1733274 (VCV001733274.5), dbSNP rs2479428204, ClinGen allele CA360932464.